The following is an entry in ClinVar:

NM_005732.4(RAD50):c.3160A>G (p.Lys1054Glu)

Gene: RAD50 (RAD50 double strand break repair protein; plus strand). Cytogenetic location: 5q31.1.
Variant type: single nucleotide variant.
Coding change: c.3160A>G on transcript NM_005732.4 (MANE Select); coding-DNA position 3160, A replaced by G.
Protein change: p.Lys1054Glu; replaces lysine 1054 with glutamic acid.
Molecular consequence: missense variant.
Genome position (GRCh38, 1-based): chr5:132,616,126, A>G. VCF-style: chr5-132616126-A-G. GRCh37 (hg19) VCF-style: chr5-131951818-A-G.
Other names: short protein forms K1054E.
Identifiers: ClinVar variation 838519 (VCV000838519.11), dbSNP rs1751171253, ClinGen allele CA360963969.

ClinVar aggregate classification (germline): Uncertain significance. Review status: criteria provided, multiple submitters, no conflicts (2 of 4 stars). 2 submissions from 2 submitters: Uncertain significance (2). Last evaluated 2024-01-16.

Conditions:
Hereditary cancer-predisposing syndrome. Also called: Neoplastic Syndromes, Hereditary; Tumor predisposition; Hereditary neoplastic syndrome; Hereditary Cancer Syndrome. Identifiers: Orphanet 140162, MedGen C0027672, MeSH D009386, MONDO:0015356.

Submissions (2):

Ambry Genetics
Classification: Uncertain significance for Hereditary cancer-predisposing syndrome. Last evaluated: 2024-01-16. Review status: criteria provided, single submitter. Criteria: Ambry Variant Classification Scheme 2023. Collection method: clinical testing. Allele origin: germline.
Comment: The p.K1054E variant (also known as c.3160A>G), located in coding exon 20 of the RAD50 gene, results from an A to G substitution at nucleotide position 3160. The lysine at codon 1054 is replaced by glutamic acid, an amino acid with similar properties. This amino acid position is conserved. In addition, this alteration is predicted to be tolerated by in silico analysis. Since supporting evidence is limited at this time, the clinical significance of this alteration remains unclear.

Labcorp Genetics (formerly Invitae), Labcorp
Classification: Uncertain significance for Hereditary cancer-predisposing syndrome. Last evaluated: 2022-12-12. Review status: criteria provided, single submitter. Criteria: Invitae Variant Classification Sherloc (09022015). Collection method: clinical testing. Allele origin: germline.
Comment: ClinVar contains an entry for this variant (Variation ID: 838519). This variant has not been reported in the literature in individuals affected with RAD50-related conditions. This variant is not present in population databases (gnomAD no frequency). This sequence change replaces lysine, which is basic and polar, with glutamic acid, which is acidic and polar, at codon 1054 of the RAD50 protein (p.Lys1054Glu). Advanced modeling of protein sequence and biophysical properties (such as structural, functional, and spatial information, amino acid conservation, physicochemical variation, residue mobility, and thermodynamic stability) performed at Invitae indicates that this missense variant is not expected to disrupt RAD50 protein function. In summary, the available evidence is currently insufficient to determine the role of this variant in disease. Therefore, it has been classified as a Variant of Uncertain Significance.